The following is an entry in ClinVar:

ClinVar aggregate classification (germline): Pathogenic (1 of 4 stars; one submission).

Conditions:
Myoclonic dystonia 11 (DYT11). Also called: DYT-SGCE; Myoclonic dystonia; Dystonia 11; Dystonia, alcohol responsive; Hereditary essential myoclonus; SGCE Myoclonus-Dystonia. Identifiers: Orphanet 36899, MedGen C1834570, MONDO:0008044, OMIM 159900.

Submission:

Labcorp Genetics (formerly Invitae), Labcorp
Classification: Pathogenic for Myoclonic dystonia 11. Last evaluated: 2021-08-28. Review status: criteria provided, single submitter. Criteria: Invitae Variant Classification Sherloc (09022015). Collection method: clinical testing. Allele origin: germline.
Comment: For these reasons, this variant has been classified as Pathogenic. A similar copy number variant has been observed in individual(s) with myoclonus-dystonia (PMID: 16240355). This variant is a gross deletion of the genomic region encompassing exon(s) 6 of the SGCE gene. This deletion is out-of-frame, and is expected to create a premature termination codon and result in an absent or disrupted protein product. Loss-of-function variants in SGCE are known to be pathogenic (PMID: 12821748, 15389977, 17853490, 24297365).

Literature cited by the submitters: PubMed 16240355; PubMed 12821748; PubMed 15389977; PubMed 17853490; PubMed 24297365.

NC_000007.13:g.(?_94232582)_(94232784_?)del

Gene: SGCE (sarcoglycan epsilon; minus strand). Cytogenetic location: 7q21.3.
Variant type: Deletion.
Identifiers: ClinVar variation 1459378 (VCV001459378.4).